The following is an entry in ClinVar:

ClinVar aggregate classification (germline): Uncertain significance (1 of 4 stars; one submission).

Conditions:
Hereditary cancer-predisposing syndrome. Also called: Tumor predisposition; Neoplastic Syndromes, Hereditary; Hereditary neoplastic syndrome; Hereditary Cancer Syndrome. Identifiers: Orphanet 140162, MedGen C0027672, MeSH D009386, MONDO:0015356.

Submission:

Ambry Genetics
Classification: Uncertain significance for Hereditary cancer-predisposing syndrome. Last evaluated: 2025-08-27. Review status: criteria provided, single submitter. Criteria: Ambry Variant Classification Scheme 2023. Collection method: clinical testing. Allele origin: germline.
Comment: The p.S395T variant (also known as c.1183T>A), located in coding exon 12 of the MUTYH gene, results from a T to A substitution at nucleotide position 1183. The serine at codon 395 is replaced by threonine, an amino acid with similar properties. This amino acid position is conserved. In addition, this alteration is predicted to be tolerated by in silico analysis. Based on the available evidence, the clinical significance of this variant remains unclear.

NM_001048174.2(MUTYH):c.1099T>A (p.Ser367Thr)

Gene: MUTYH (mutY DNA glycosylase; minus strand). Cytogenetic location: 1p34.1.
Variant type: single nucleotide variant.
Coding change: c.1099T>A on transcript NM_001048174.2 (MANE Select); coding-DNA position 1099, T replaced by A.
Protein change: p.Ser367Thr; replaces serine 367 with threonine.
Molecular consequence: missense variant. On other transcripts: non-coding transcript variant (7).
Genome position (GRCh38, 1-based): chr1:45,331,664, A>T on the plus strand (T>A on the coding strand, the complement: MUTYH is on the minus strand). VCF-style: chr1-45331664-A-T. GRCh37 (hg19) VCF-style: chr1-45797336-A-T.
Other names: c.1099T>A, p.Ser367Thr (NM_001048171.2, NM_001048173.2, NM_001293195.2 and 6 more transcripts); c.1102T>A, p.Ser368Thr (NM_001048172.2, NM_001407071.1, NM_001407078.1 and 1 more transcripts); c.1183T>A, p.Ser395Thr (NM_001128425.2); c.1144T>A, p.Ser382Thr (NM_001293190.2); c.1132T>A, p.Ser378Thr (NM_001293191.2, NM_001407069.1, NM_001407077.1); c.823T>A, p.Ser275Thr (NM_001293192.2, NM_001293196.2, NM_001407091.1); c.754T>A, p.Ser252Thr (NM_001350650.2, NM_001350651.2, NM_001407082.1); c.1174T>A, p.Ser392Thr (NM_012222.3); and 5 more; short protein forms S275T, S368T, S374T, S252T, S392T, S353T, S367T, S378T.
Identifiers: ClinVar variation 4113082 (VCV004113082.1).